The following is an entry in ClinVar:

NM_001371928.1(AHDC1):c.2726C>G (p.Pro909Arg)

Gene: AHDC1 (AT-hook DNA binding motif containing 1; minus strand). Cytogenetic location: 1p36.11.
Variant type: single nucleotide variant.
Coding change: c.2726C>G on transcript NM_001371928.1 (MANE Select); coding-DNA position 2726, C replaced by G.
Protein change: p.Pro909Arg; replaces proline 909 with arginine.
Molecular consequence: missense variant.
Genome position (GRCh38, 1-based): chr1:27,549,390, G>C on the plus strand (C>G on the coding strand, the complement: AHDC1 is on the minus strand). VCF-style: chr1-27549390-G-C. GRCh37 (hg19) VCF-style: chr1-27875901-G-C.
Other names: c.2726C>G, p.Pro909Arg (NM_001029882.3); c.2726C>G (NM_001029882.2); short protein forms P909R.
Identifiers: ClinVar variation 788285 (VCV000788285.19), dbSNP rs776465786, ClinGen allele CA715710.

ClinVar aggregate classification (germline): Benign/Likely benign. Review status: criteria provided, multiple submitters, no conflicts (2 of 4 stars). 6 submissions from 6 submitters: Benign (3); Likely benign (2). 1 of the submissions does not count toward it. Last evaluated 2026-03-01.

Conditions:
AHDC1-related disorder. Also called: AHDC1-related condition.
Inborn genetic diseases. Identifiers: MedGen C0950123, MeSH D030342.
AHDC1-related intellectual disability - obstructive sleep apnea - mild dysmorphism syndrome. Also called: Xia-Gibbs syndrome. Identifiers: Orphanet 412069, MedGen C4014419, MONDO:0014358, OMIM 615829.

Allele frequency attached by ClinVar (database versions not stated): TOPMed 0.00010.
gnomAD v4.1: 133 of 1,612,896 alleles (0.0082%); highest among the groups gnomAD compares: Admixed American, 0.22%; no homozygotes.

Submissions (6):

CeGaT Center for Human Genetics Tuebingen
Classification: Benign. Last evaluated: 2026-03-01. Review status: criteria provided, single submitter. Criteria: CeGaT Center For Human Genetics Tuebingen Variant Classification Criteria Version 2. Collection method: clinical testing. Allele origin: germline. Affected: yes. Observed: 1 variant allele.
Comment: AHDC1: BP4, BS1, BS2

Labcorp Genetics (formerly Invitae), Labcorp
Classification: Likely benign. Last evaluated: 2026-01-02. Review status: criteria provided, single submitter. Criteria: Invitae Variant Classification Sherloc (09022015). Collection method: clinical testing. Allele origin: germline.

Ambry Genetics
Classification: Likely benign for Inborn genetic diseases. Last evaluated: 2025-06-18. Review status: criteria provided, single submitter. Criteria: Ambry Variant Classification Scheme 2023. Collection method: clinical testing. Allele origin: germline.

Genome-Nilou Lab
Classification: Benign for AHDC1-related intellectual disability - obstructive sleep apnea - mild dysmorphism syndrome. Last evaluated: 2021-12-05. Review status: criteria provided, single submitter. Criteria: ACMG Guidelines, 2015. Collection method: clinical testing. Allele origin: germline. Affected: no.

GeneDx
Classification: Benign. Last evaluated: 2019-12-24. Review status: criteria provided, single submitter. Criteria: GeneDx Variant Classification Process June 2021. Collection method: clinical testing. Allele origin: germline. Affected: yes.

PreventionGenetics, part of Exact Sciences
Classification: Likely benign for AHDC1-related condition. Last evaluated: 2022-05-16. Review status: no assertion criteria provided. Collection method: clinical testing. Allele origin: germline. Not counted in ClinVar's aggregate classification.
Comment: This variant is classified as likely benign based on ACMG/AMP sequence variant interpretation guidelines (Richards et al. 2015 PMID: 25741868, with internal and published modifications).